The following is an entry in ClinVar:

ClinVar aggregate classification (germline): Uncertain significance (1 of 4 stars; one submission).

Conditions:
Hereditary cancer-predisposing syndrome. Also called: Neoplastic Syndromes, Hereditary; Hereditary neoplastic syndrome; Tumor predisposition; Hereditary Cancer Syndrome. Identifiers: Orphanet 140162, MedGen C0027672, MeSH D009386, MONDO:0015356.

Submission:

Ambry Genetics
Classification: Uncertain significance for Hereditary cancer-predisposing syndrome. Last evaluated: 2022-12-01. Review status: criteria provided, single submitter. Criteria: Ambry Variant Classification Scheme 2023. Collection method: clinical testing. Allele origin: germline.
Comment: The p.T1724A variant (also known as c.5170A>G), located in coding exon 38 of the POLE gene, results from an A to G substitution at nucleotide position 5170. The threonine at codon 1724 is replaced by alanine, an amino acid with similar properties. This amino acid position is conserved. In addition, the in silico prediction for this alteration is inconclusive. Since supporting evidence is limited at this time, the clinical significance of this alteration remains unclear.

NM_006231.4(POLE):c.5170A>G (p.Thr1724Ala)

Gene: POLE (DNA polymerase epsilon, catalytic subunit; minus strand). Cytogenetic location: 12q24.33.
Variant type: single nucleotide variant.
Coding change: c.5170A>G on transcript NM_006231.4 (MANE Select); coding-DNA position 5170, A replaced by G.
Protein change: p.Thr1724Ala; replaces threonine 1724 with alanine.
Molecular consequence: missense variant.
Genome position (GRCh38, 1-based): chr12:132,642,180, T>C on the plus strand (A>G on the coding strand, the complement: POLE is on the minus strand). VCF-style: chr12-132642180-T-C. GRCh37 (hg19) VCF-style: chr12-133218766-T-C.
Other names: short protein forms T1724A.
Identifiers: ClinVar variation 2496847 (VCV002496847.2), dbSNP rs2042159985, ClinGen allele CA387376614.